The following is an entry in ClinVar:

NM_001277062.2(MFF):c.440+2436A>G

Gene: MFF (mitochondrial fission factor; plus strand). Cytogenetic location: 2q36.3.
Variant type: single nucleotide variant.
Coding change: c.440+2436A>G on transcript NM_001277062.2 (MANE Select); 2436 bases into the intron after coding-DNA position 440, A replaced by G.
Molecular consequence: intron variant. On other transcripts: missense variant (3).
Genome position (GRCh38, 1-based): chr2:227,342,816, A>G. VCF-style: chr2-227342816-A-G. GRCh37 (hg19) VCF-style: chr2-228207532-A-G.
Other names: c.590A>G, p.Tyr197Cys (NM_001277061.2, NM_020194.5); c.512A>G, p.Tyr171Cys (NM_001277063.2); c.440+2436A>G (NM_001277064.2, NM_001277065.2, NM_001277066.2 and 1 more transcripts); c.290+2436A>G (NM_001277067.1); short protein forms Y171C, Y197C.
Identifiers: ClinVar variation 2443625 (VCV002443625.1), dbSNP rs2470096391, ClinGen allele CA350849965.

ClinVar aggregate classification (germline): Uncertain significance (1 of 4 stars; one submission).

Allele frequency attached by ClinVar (database versions not stated): gnomAD exomes below 0.00001.
gnomAD v4.1: 1 of 1,613,220 alleles (0.000062%); highest among the groups gnomAD compares: Non-Finnish European, 0.000085%; no homozygotes.

Submission:

GeneDx
Classification: Uncertain significance. Last evaluated: 2022-09-07. Review status: criteria provided, single submitter. Criteria: GeneDx Variant Classification Process June 2021. Collection method: clinical testing. Allele origin: germline. Affected: yes.
Comment: Not observed at significant frequency in large population cohorts (gnomAD); In silico analysis supports that this missense variant has a deleterious effect on protein structure/function; Has not been previously published as pathogenic or benign to our knowledge